The following is an entry in ClinVar:

NM_005909.5(MAP1B):c.6240C>T (p.Val2080=)

Gene: MAP1B (microtubule associated protein 1B; plus strand). Cytogenetic location: 5q13.2.
Variant type: single nucleotide variant.
Coding change: c.6240C>T on transcript NM_005909.5 (MANE Select); coding-DNA position 6240, C replaced by T.
Protein change: p.Val2080=; no amino-acid change (valine 2080 retained).
Molecular consequence: synonymous variant.
Genome position (GRCh38, 1-based): chr5:72,199,595, C>T. VCF-style: chr5-72199595-C-T. GRCh37 (hg19) VCF-style: chr5-71495422-C-T.
Other names: c.5862C>T, p.Val1954= (NM_001324255.2).
Identifiers: ClinVar variation 749709 (VCV000749709.9), dbSNP rs745713859, ClinGen allele CA3299455.

ClinVar aggregate classification (germline): Likely benign. Review status: criteria provided, multiple submitters, no conflicts (2 of 4 stars). 3 submissions from 3 submitters: Likely benign (2). 1 of the submissions does not count toward it. Last evaluated 2026-06-01.

Conditions:
MAP1B-related disorder. Also called: MAP1B-related condition.

Allele frequency attached by ClinVar (database versions not stated): TOPMed 0.00002; gnomAD 0.00003; gnomAD exomes 0.00003 and 0.00005; ExAC 0.00004.
gnomAD v4.1: 49 of 1,614,188 alleles (0.003%); highest among the groups gnomAD compares: Middle Eastern, 0.066%; no homozygotes.

Submissions (3):

CeGaT Center for Human Genetics Tuebingen
Classification: Likely benign. Last evaluated: 2026-06-01. Review status: criteria provided, single submitter. Criteria: CeGaT Center For Human Genetics Tuebingen Variant Classification Criteria Version 2. Collection method: clinical testing. Allele origin: germline. Affected: yes. Observed: 3 variant alleles.
Comment: MAP1B: BP4, BP7

Labcorp Genetics (formerly Invitae), Labcorp
Classification: Likely benign. Last evaluated: 2018-06-18. Review status: criteria provided, single submitter. Criteria: Invitae Variant Classification Sherloc (09022015). Collection method: clinical testing. Allele origin: germline.

PreventionGenetics, part of Exact Sciences
Classification: Likely benign for MAP1B-related condition. Last evaluated: 2019-04-23. Review status: no assertion criteria provided. Collection method: clinical testing. Allele origin: germline. Not counted in ClinVar's aggregate classification.
Comment: This variant is classified as likely benign based on ACMG/AMP sequence variant interpretation guidelines (Richards et al. 2015 PMID: 25741868, with internal and published modifications).